The following is an entry in ClinVar:

ClinVar aggregate classification (germline): Uncertain significance (1 of 4 stars; one submission).

Conditions:
Kabuki syndrome. Also called: Kabuki make-up syndrome; NIIKAWA-KUROKI SYNDROME. Identifiers: Orphanet 2322, MedGen C0796004, MONDO:0016512.

Allele frequency attached by ClinVar (database versions not stated): gnomAD exomes below 0.00001.
gnomAD v4.1: 1 of 1,533,420 alleles (0.000065%); highest among the groups gnomAD compares: Non-Finnish European, 0.000088%; no homozygotes.

Submission:

Labcorp Genetics (formerly Invitae), Labcorp
Classification: Uncertain significance for Kabuki syndrome. Last evaluated: 2024-11-18. Review status: criteria provided, single submitter. Criteria: Invitae Variant Classification Sherloc (09022015). Collection method: clinical testing. Allele origin: germline.
Comment: This sequence change replaces threonine, which is neutral and polar, with isoleucine, which is neutral and non-polar, at codon 3589 of the KMT2D protein (p.Thr3589Ile). This variant is not present in population databases (gnomAD no frequency). This variant has not been reported in the literature in individuals affected with KMT2D-related conditions. ClinVar contains an entry for this variant (Variation ID: 2743951). Invitae Evidence Modeling of protein sequence and biophysical properties (such as structural, functional, and spatial information, amino acid conservation, physicochemical variation, residue mobility, and thermodynamic stability) indicates that this missense variant is not expected to disrupt KMT2D protein function with a negative predictive value of 95%. In summary, the available evidence is currently insufficient to determine the role of this variant in disease. Therefore, it has been classified as a Variant of Uncertain Significance.

NM_003482.4(KMT2D):c.10766C>T (p.Thr3589Ile)

Gene: KMT2D (lysine methyltransferase 2D; minus strand). Cytogenetic location: 12q13.12.
Variant type: single nucleotide variant.
Coding change: c.10766C>T on transcript NM_003482.4 (MANE Select); coding-DNA position 10766, C replaced by T.
Protein change: p.Thr3589Ile; replaces threonine 3589 with isoleucine.
Molecular consequence: missense variant.
Genome position (GRCh38, 1-based): chr12:49,033,939, G>A on the plus strand (C>T on the coding strand, the complement: KMT2D is on the minus strand). VCF-style: chr12-49033939-G-A. GRCh37 (hg19) VCF-style: chr12-49427722-G-A.
Other names: short protein forms T3589I.
Identifiers: ClinVar variation 2743951 (VCV002743951.3), dbSNP rs2498366926, ClinGen allele CA384726379.
Genomic context (GRCh38, chr12:49,033,939, plus strand): 5'-TGTTGCTGCTGCTGCTGCTGTTGTTGCTGCTGCTTGTTCCGATATTCTGCCATGAGATTA[G>A]TGTGCTCCTTCTGCTGTTTCCGGACCTAACATGGGAGGGTCGGAGAGGTCAGGCTGGGGC-3'
Protein context (NP_003473.3, residues 3579-3599): DQVRKQQKEH[Thr3589Ile]NLMAEYRNKQ